The following is an entry in ClinVar:

ClinVar aggregate classification (germline): Uncertain significance (1 of 4 stars; one submission).

Allele frequency attached by ClinVar (database versions not stated): gnomAD exomes below 0.00001; gnomAD 0.00001; ExAC 0.00002.
gnomAD v4.1: 9 of 1,613,680 alleles (0.00056%); highest among the groups gnomAD compares: Admixed American, 0.0033%; no homozygotes.

Submission:

Labcorp Genetics (formerly Invitae), Labcorp
Classification: Uncertain significance. Last evaluated: 2025-10-22. Review status: criteria provided, single submitter. Criteria: Invitae Variant Classification Sherloc (09022015). Collection method: clinical testing. Allele origin: germline.
Comment: This sequence change replaces glycine, which is neutral and non-polar, with arginine, which is basic and polar, at codon 426 of the COL18A1 protein (p.Gly426Arg). This variant is present in population databases (rs772655904, gnomAD 0.006%). This variant has not been reported in the literature in individuals affected with COL18A1-related conditions. ClinVar contains an entry for this variant (Variation ID: 2179616). Experimental studies and prediction algorithms are not available or were not evaluated, and the functional significance of this variant is currently unknown. In summary, the available evidence is currently insufficient to determine the role of this variant in disease. Therefore, it has been classified as a Variant of Uncertain Significance.

NM_001379500.1(COL18A1):c.1276G>A (p.Gly426Arg)

Gene: COL18A1 (collagen type XVIII alpha 1 chain; plus strand). Cytogenetic location: 21q22.3.
Variant type: single nucleotide variant.
Coding change: c.1276G>A on transcript NM_001379500.1 (MANE Select); coding-DNA position 1276, G replaced by A.
Protein change: p.Gly426Arg; replaces glycine 426 with arginine.
Molecular consequence: missense variant.
Genome position (GRCh38, 1-based): chr21:45,479,929, G>A. VCF-style: chr21-45479929-G-A. GRCh37 (hg19) VCF-style: chr21-46899843-G-A.
Other names: c.1816G>A, p.Gly606Arg (NM_030582.4); c.2521G>A, p.Gly841Arg (NM_130444.3); short protein forms G426R, G606R, G841R.
Identifiers: ClinVar variation 2179616 (VCV002179616.2), dbSNP rs772655904, ClinGen allele CA10066218.